The following is an entry in ClinVar:

ClinVar aggregate classification (germline): Uncertain significance (1 of 4 stars; one submission).

Conditions:
Peutz-Jeghers syndrome (PJS). Also called: Peutz-Jeghers polyposis; Periorificial lentiginosis syndrome; POLYPOSIS, HAMARTOMATOUS INTESTINAL; POLYPS-AND-SPOTS SYNDROME. Identifiers: Orphanet 2869, MedGen C0031269, MeSH D010580, MONDO:0008280, OMIM 175200.

Submission:

Labcorp Genetics (formerly Invitae), Labcorp
Classification: Uncertain significance for Peutz-Jeghers syndrome. Last evaluated: 2022-02-17. Review status: criteria provided, single submitter. Criteria: Invitae Variant Classification Sherloc (09022015). Collection method: clinical testing. Allele origin: germline.
Comment: In summary, the available evidence is currently insufficient to determine the role of this variant in disease. Therefore, it has been classified as a Variant of Uncertain Significance. Advanced modeling of protein sequence and biophysical properties (such as structural, functional, and spatial information, amino acid conservation, physicochemical variation, residue mobility, and thermodynamic stability) performed at Invitae indicates that this missense variant is expected to disrupt STK11 protein function. ClinVar contains an entry for this variant (Variation ID: 944183). This variant has not been reported in the literature in individuals affected with STK11-related conditions. This variant is not present in population databases (gnomAD no frequency). This sequence change replaces phenylalanine, which is neutral and non-polar, with cysteine, which is neutral and slightly polar, at codon 148 of the STK11 protein (p.Phe148Cys).

NM_000455.5(STK11):c.443T>G (p.Phe148Cys)

Gene: STK11 (serine/threonine kinase 11; plus strand). Cytogenetic location: 19p13.3.
Variant type: single nucleotide variant.
Coding change: c.443T>G on transcript NM_000455.5 (MANE Select); coding-DNA position 443, T replaced by G.
Protein change: p.Phe148Cys; replaces phenylalanine 148 with cysteine.
Molecular consequence: missense variant.
Genome position (GRCh38, 1-based): chr19:1,219,392, T>G. VCF-style: chr19-1219392-T-G. GRCh37 (hg19) VCF-style: chr19-1219391-T-G.
Other names: short protein forms F148C.
Identifiers: ClinVar variation 944183 (VCV000944183.9), dbSNP rs2080765851, ClinGen allele CA402948338.
Genomic context (GRCh38, chr19:1,219,392, plus strand): 5'-TGATGGAGTACTGCGTGTGTGGCATGCAGGAAATGCTGGACAGCGTGCCGGAGAAGCGTT[T>G]CCCAGTGTGCCAGGCCCACGGGTGCGTGCGCGGGGCAGGGGCCAGGGTGGGGCGGGGGCC-3'
Protein context (NP_000446.1, residues 138-158): EMLDSVPEKR[Phe148Cys]PVCQAHGYFC